The following is an entry in ClinVar:

NM_001267550.2(TTN):c.94145G>A (p.Arg31382His)

Genes: TTN (titin; minus strand), TTN-AS1 (TTN antisense RNA 1; plus strand). Cytogenetic location: 2q31.2.
Variant type: single nucleotide variant.
Coding change: c.94145G>A on transcript NM_001267550.2 (MANE Select); coding-DNA position 94145, G replaced by A.
Protein change: p.Arg31382His; replaces arginine 31382 with histidine.
Molecular consequence: missense variant.
Genome position (GRCh38, 1-based): chr2:178,547,481, C>T on the plus strand (G>A on the coding strand, the complement: TTN is on the minus strand). VCF-style: chr2-178547481-C-T. GRCh37 (hg19) VCF-style: chr2-179412208-C-T.
Other names: c.89222G>A, p.Arg29741His (NM_001256850.1); c.66950G>A, p.Arg22317His (NM_003319.4); c.86441G>A, p.Arg28814His (NM_133378.4); c.67325G>A, p.Arg22442His (NM_133432.3); c.67526G>A, p.Arg22509His (NM_133437.4); short protein forms R22317H, R22442H, R22509H, R28814H, R29741H, R31382H.
Identifiers: ClinVar variation 2691133 (VCV002691133.3), dbSNP rs775769975, ClinGen allele CA1987195.

ClinVar aggregate classification (germline): Conflicting classifications of pathogenicity. Review status: criteria provided, conflicting classifications (1 of 4 stars). 3 submissions from 3 submitters: Uncertain significance (1); Likely benign (2). Last evaluated 2026-03-26.

Conditions:
TTN-related disorder. Also called: TTN-related disorders; TTN-related condition; TTN-related disease.
Cardiomyopathy (CMYO). Also called: Cardiomyopathies. Identifiers: Orphanet 167848, MedGen C0878544, MONDO:0004994, HP:0001638. Inheritance: Various modes of inheritance.

Allele frequency attached by ClinVar (database versions not stated): TOPMed 0.00001; gnomAD 0.00002; ExAC 0.00012.
gnomAD v4.1: 72 of 1,612,578 alleles (0.0045%); highest among the groups gnomAD compares: East Asian, 0.011%; no homozygotes.

Submissions (3):

PreventionGenetics, part of Exact Sciences
Classification: Uncertain significance for TTN-related condition. Last evaluated: 2026-03-26. Review status: criteria provided, single submitter. Criteria: ACMG Guidelines, 2015. Collection method: clinical testing. Allele origin: germline.
Comment: The TTN c.94145G>A variant is predicted to result in the amino acid substitution p.Arg31382His. To our knowledge, this variant has not been reported in the literature. This variant is reported in 0.021% of alleles in individuals of East Asian descent in gnomAD. At this time, the clinical significance of this variant is uncertain due to the absence of conclusive functional and genetic evidence.

Blueprint Genetics
Classification: Likely benign. Last evaluated: 2024-11-11. Review status: criteria provided, single submitter. Criteria: ACMG Guidelines, 2015. Collection method: clinical testing. Allele origin: germline.

CHEO Genetics Diagnostic Laboratory, Children's Hospital of Eastern Ontario
Classification: Likely benign for Cardiomyopathy. Last evaluated: 2023-01-18. Review status: criteria provided, single submitter. Criteria: ACMG Guidelines, 2015. Collection method: clinical testing. Allele origin: germline.